The following is an entry in ClinVar:

NM_001039591.3(USP9X):c.2602del (p.Tyr868fs)

Gene: USP9X (ubiquitin specific peptidase 9 X-linked; plus strand). Cytogenetic location: Xp11.4.
Variant type: Deletion.
Coding change: c.2602del on transcript NM_001039591.3 (MANE Select); coding-DNA position 2602, one base deleted (T; older notation c.2602delT).
Protein change: p.Tyr868fs; shifts the reading frame from tyrosine 868.
Molecular consequence: frameshift variant.
Genome position (GRCh38, 1-based): chrX:41,168,184, T deleted; the last of 2 consecutive T bases (chrX:41,168,183-41,168,184); deleting either gives the same sequence. VCF-style (leftmost placement, unchanged base first): chrX-41168182-AT-A. GRCh37 (hg19) VCF-style: chrX-41027435-AT-A.
Other names: c.2602del, p.Tyr868fs (NM_001039590.3); short protein forms Y868fs.
Identifiers: ClinVar variation 1333376 (VCV001333376.1), dbSNP rs2147118205, ClinGen allele CA2573055306.

ClinVar aggregate classification (germline): Likely pathogenic (1 of 4 stars; one submission).

Conditions:
Intellectual developmental disorder, X-linked 99, syndromic, female-restricted. Also called: Intellectual disability, X-linked 99, syndromic, female-restricted. Identifiers: MedGen C4225416, MONDO:0010502, OMIM 300968.

Submission:

3billion
Classification: Likely pathogenic for Intellectual developmental disorder, X-linked 99, syndromic, female-restricted. Last evaluated: 2022-01-03. Review status: criteria provided, single submitter. Criteria: ACMG Guidelines, 2015. Collection method: clinical testing. Allele origin: germline. Affected: yes. Observed: 1 heterozygote.
Comment: Frameshift: predicted to result in a loss or disruption of normal protein function through nonsense-mediated decay (NMD) or protein truncation. Multiple pathogenic variants are reported downstream of the variant (PVS1_VS). It is not observed in the gnomAD v2.1.1 dataset (PM2_M). Therefore, this variant is classified as likely pathogenic according to the recommendation of ACMG/AMP guideline.